The following is an entry in ClinVar:

ClinVar aggregate classification (germline): Pathogenic (1 of 4 stars; one submission).

Conditions:
Usher syndrome type 1 (USH1). Also called: RETINITIS PIGMENTOSA AND CONGENITAL DEAFNESS. Identifiers: Orphanet 231169, Orphanet 886, MedGen C1568247, MONDO:0010168, OMIM 276900.

Submission:

Myriad Genetics, Inc.
Classification: Pathogenic for Usher syndrome type 1. Last evaluated: 2026-05-06. Review status: criteria provided, single submitter. Criteria: Myriad Autosomal Dominant, Autosomal Recessive and X-Linked Classification Criteria (2023). Collection method: clinical testing. Allele origin: unknown.
Comment: NM_000260.3(MYO7A):c.2079delG(K693Nfs*29) is expected to be pathogenic in the context of MYO7A-related disorders. This variant is predicted to lead to an abnormal or absent protein product due to the creation of a premature termination codon in MYO7A, a gene where loss-of-function variants are known to be pathogenic. Please note: this variant was assessed in the context of healthy population screening.

NM_000260.4(MYO7A):c.2079del (p.Lys693fs)

Gene: MYO7A (myosin VIIA; plus strand). Cytogenetic location: 11q13.5.
Variant type: Deletion.
Coding change: c.2079del on transcript NM_000260.4 (MANE Select); coding-DNA position 2079, one base deleted (G; older notation c.2079delG).
Protein change: p.Lys693fs; shifts the reading frame from lysine 693.
Molecular consequence: frameshift variant.
Genome position (GRCh38, 1-based): chr11:77,174,899, G deleted. VCF-style (leftmost placement, unchanged base first): chr11-77174898-AG-A. GRCh37 (hg19) VCF-style: chr11-76885944-AG-A.
Other names: c.2079del, p.Lys693fs (NM_001127180.2); c.2046del, p.Lys682fs (NM_001369365.1); short protein forms K682fs, K693fs.
Identifiers: ClinVar variation 5015886 (VCV005015886.1).